The following is an entry in ClinVar:

ClinVar aggregate classification (germline): Uncertain significance (1 of 4 stars; one submission).

Conditions:
Wilson disease (WND). Also called: Wilson's disease. Identifiers: Orphanet 905, MedGen C0019202, MONDO:0010200, OMIM 277900. Disease mechanism: loss of function.

Submission:

All of Us Research Program, National Institutes of Health
Classification: Uncertain significance for Wilson disease. Last evaluated: 2024-06-09. Review status: criteria provided, single submitter. Criteria: ACMG Guidelines, 2015. Collection method: clinical testing. Allele origin: germline. Inheritance: Autosomal recessive inheritance. Observed: 1 variant allele, 1 heterozygote.
Comment: This variant causes an in-frame duplication of 6 amino acids in the Actuator (A) domain of the ATP7B protein (a.a. 786 - 917), a highly conserved region that is considered to be important for ATP7B protein function (PMID: 35245129; ClinVar). To our knowledge, functional studies have not been reported for this variant. This variant has not been reported in individuals affected with ATP7B-related disorders in the literature. This variant has not been identified in the general population by the Genome Aggregation Database (gnomAD). The available evidence is insufficient to determine the role of this variant in disease conclusively. Therefore, this variant is classified as a Variant of Uncertain Significance.

This study involves interpretation of variants in research participants for the purpose of population health screening. Participant phenotype was not available at the time of variant classification. Additional details can be found in publication PMID: 35346344, PMCID: PMC8962531

Literature cited by the submitters: PubMed 35245129.

NM_000053.4(ATP7B):c.2567_2568insGATGGCTGATGAGTCCCT (p.Leu856_Ile857insMetAlaAspGluSerLeu)

Gene: ATP7B (ATPase copper transporting beta; minus strand). Cytogenetic location: 13q14.3.
Variant type: Insertion.
Coding change: c.2567_2568insGATGGCTGATGAGTCCCT on transcript NM_000053.4 (MANE Select); coding-DNA positions 2567 to 2568, GATGGCTGATGAGTCCCT inserted.
Protein change: p.Leu856_Ile857insMetAlaAspGluSerLeu.
Molecular consequence: intron variant (on NM_001406548.1).
Genome position: GRCh38 VCF-style: chr13-51950279-G-GAGGGACTCATCAGCCATC. GRCh37 (hg19) VCF-style: chr13-52524415-G-GAGGGACTCATCAGCCATC.
Other names: c.2081_2082insGATGGCTGATGAGTCCCT, p.Leu694_Ile695insMetAlaAspGluSerLeu (NM_001005918.3, NM_001406541.1, NM_001406542.1 and 1 more transcripts); c.2234_2235insGATGGCTGATGAGTCCCT, p.Leu745_Ile746insMetAlaAspGluSerLeu (NM_001243182.2); c.2333_2334insGATGGCTGATGAGTCCCT, p.Leu778_Ile779insMetAlaAspGluSerLeu (NM_001330578.2, NM_001406527.1, NM_001406528.1 and 2 more transcripts); c.2315_2316insGATGGCTGATGAGTCCCT, p.Leu772_Ile773insMetAlaAspGluSerLeu (NM_001330579.2, NM_001406531.1, NM_001406532.1 and 1 more transcripts); c.2567_2568insGATGGCTGATGAGTCCCT, p.Leu856_Ile857insMetAlaAspGluSerLeu (NM_001406511.1, NM_001406512.1, NM_001406513.1 and 7 more transcripts); c.2534_2535insGATGGCTGATGAGTCCCT, p.Leu845_Ile846insMetAlaAspGluSerLeu (NM_001406514.1); c.2471_2472insGATGGCTGATGAGTCCCT, p.Leu824_Ile825insMetAlaAspGluSerLeu (NM_001406517.1, NM_001406518.1); c.2423_2424insGATGGCTGATGAGTCCCT, p.Leu808_Ile809insMetAlaAspGluSerLeu (NM_001406520.1, NM_001406521.1, NM_001406522.1 and 1 more transcripts); and 8 more.
Identifiers: ClinVar variation 3387660 (VCV003387660.1).